The following is an entry in ClinVar:

NM_001458.5(FLNC):c.4132G>A (p.Ala1378Thr)

Gene: FLNC (filamin C; plus strand). Cytogenetic location: 7q32.1.
Variant type: single nucleotide variant.
Coding change: c.4132G>A on transcript NM_001458.5 (MANE Select); coding-DNA position 4132, G replaced by A.
Protein change: p.Ala1378Thr; replaces alanine 1378 with threonine.
Molecular consequence: missense variant.
Genome position (GRCh38, 1-based): chr7:128,846,749, G>A. VCF-style: chr7-128846749-G-A. GRCh37 (hg19) VCF-style: chr7-128486803-G-A.
Other names: c.4132G>A, p.Ala1378Thr (NM_001127487.2); short protein forms A1378T.
Identifiers: ClinVar variation 2091634 (VCV002091634.4), dbSNP rs2536643455, ClinGen allele CA369200334.

ClinVar aggregate classification (germline): Uncertain significance (1 of 4 stars; one submission).

Conditions:
Hypertrophic cardiomyopathy 26. Also called: Cardiomyopathy, familial hypertrophic, 26. Identifiers: Orphanet 75249, MedGen C4310749, MONDO:0014883, OMIM 617047.
Myofibrillar myopathy 5. Also called: Filaminopathy (type); FILAMINOPATHY, AUTOSOMAL DOMINANT. Identifiers: Orphanet 171445, MedGen C1836050, MONDO:0012289, OMIM 609524.
Distal myopathy with posterior leg and anterior hand involvement. Also called: WILLIAMS DISTAL MYOPATHY. Identifiers: Orphanet 63273, MedGen C3279722, MONDO:0013550, OMIM 614065.

Submission:

Labcorp Genetics (formerly Invitae), Labcorp
Classification: Uncertain significance for Distal myopathy with posterior leg and anterior hand involvement; Myofibrillar myopathy 5; Hypertrophic cardiomyopathy 26. Last evaluated: 2022-03-17. Review status: criteria provided, single submitter. Criteria: Invitae Variant Classification Sherloc (09022015). Collection method: clinical testing. Allele origin: germline.
Comment: In summary, the available evidence is currently insufficient to determine the role of this variant in disease. Therefore, it has been classified as a Variant of Uncertain Significance. Algorithms developed to predict the effect of missense changes on protein structure and function are either unavailable or do not agree on the potential impact of this missense change (SIFT: "Deleterious"; PolyPhen-2: "Probably Damaging"; Align-GVGD: "Class C0"). This variant has not been reported in the literature in individuals affected with FLNC-related conditions. This variant is not present in population databases (gnomAD no frequency). This sequence change replaces alanine, which is neutral and non-polar, with threonine, which is neutral and polar, at codon 1378 of the FLNC protein (p.Ala1378Thr).